The following is an entry in ClinVar:

NM_001348768.2(HECW2):c.431A>G (p.His144Arg)

Gene: HECW2 (HECT, C2 and WW domain containing E3 ubiquitin protein ligase 2; minus strand). Cytogenetic location: 2q32.3.
Variant type: single nucleotide variant.
Coding change: c.431A>G on transcript NM_001348768.2 (MANE Select); coding-DNA position 431, A replaced by G.
Protein change: p.His144Arg; replaces histidine 144 with arginine.
Molecular consequence: missense variant. On other transcripts: 5 prime UTR variant (1).
Genome position (GRCh38, 1-based): chr2:196,334,488, T>C on the plus strand (A>G on the coding strand, the complement: HECW2 is on the minus strand). VCF-style: chr2-196334488-T-C. GRCh37 (hg19) VCF-style: chr2-197199212-T-C.
Other names: c.-466A>G (NM_001304840.3); c.431A>G, p.His144Arg (NM_020760.4); short protein forms H144R.
Identifiers: ClinVar variation 3376111 (VCV003376111.1).

ClinVar aggregate classification (germline): Uncertain significance (1 of 4 stars; one submission).

Submission:

GeneDx
Classification: Uncertain significance. Last evaluated: 2024-05-06. Review status: criteria provided, single submitter. Criteria: GeneDx Variant Classification Process June 2021. Collection method: clinical testing. Allele origin: germline. Affected: yes.
Comment: Not observed at significant frequency in large population cohorts (gnomAD); In silico analysis supports that this missense variant has a deleterious effect on protein structure/function; Has not been previously published as pathogenic or benign to our knowledge